The following is an entry in ClinVar:

NM_002907.4(RECQL):c.420G>C (p.Leu140Phe)

Gene: RECQL (RecQ like helicase; minus strand). Cytogenetic location: 12p12.1.
Variant type: single nucleotide variant.
Coding change: c.420G>C on transcript NM_002907.4 (MANE Select); coding-DNA position 420, G replaced by C.
Protein change: p.Leu140Phe; replaces leucine 140 with phenylalanine.
Molecular consequence: missense variant.
Genome position (GRCh38, 1-based): chr12:21,486,560, C>G on the plus strand (G>C on the coding strand, the complement: RECQL is on the minus strand). VCF-style: chr12-21486560-C-G. GRCh37 (hg19) VCF-style: chr12-21639494-C-G.
Other names: c.420G>C, p.Leu140Phe (NM_032941.3); short protein forms L140F.
Identifiers: ClinVar variation 4152298 (VCV004152298.1).
Genomic context (GRCh38, chr12:21,486,560, plus strand): 5'-CATGGTTGCTGAAATTCCTAATTGTTTTAAAACCATTAATTGGTCTTCCATAAGAGAGAT[C>G]AATGGGCAAATGACGAGTGTAAAACCTAAAAGAGAAAAAAAAAAAAATCTACCTTAAACT-3'
Protein context (NP_002898.2, residues 130-150): SDGFTLVICP[Leu140Phe]ISLMEDQLMV

ClinVar aggregate classification (germline): Uncertain significance (1 of 4 stars; one submission).

Submission:

Ambry Genetics
Classification: Uncertain significance. Last evaluated: 2025-06-21. Review status: criteria provided, single submitter. Criteria: Ambry Variant Classification Scheme 2023. Collection method: clinical testing. Allele origin: germline.
Comment: The p.L140F variant (also known as c.420G>C), located in coding exon 4 of the RECQL gene, results from a G to C substitution at nucleotide position 420. The leucine at codon 140 is replaced by phenylalanine, an amino acid with highly similar properties. This amino acid position is conserved. In addition, this alteration is predicted to be deleterious by in silico analysis. Based on the available evidence, the clinical significance of this variant remains unclear.